The following is an entry in ClinVar:

ClinVar aggregate classification (germline): Conflicting classifications of pathogenicity. Review status: criteria provided, conflicting classifications (1 of 4 stars). 4 submissions from 4 submitters: Uncertain significance (2); Likely benign (2). Last evaluated 2026-02-04.

Conditions:
LRP2-related disorder. Also called: LRP2-related condition.
Donnai-Barrow syndrome. Also called: FACIOOCULOACOUSTICORENAL SYNDROME; DBS/FOAR SYNDROME. Identifiers: Orphanet 2143, MedGen C1857277, MONDO:0009104, OMIM 222448.

Allele frequency attached by ClinVar (database versions not stated): gnomAD 0.00011; TOPMed 0.00012.
gnomAD v4.1: 179 of 1,604,262 alleles (0.011%); highest among the groups gnomAD compares: Non-Finnish European, 0.015%; no homozygotes.

Submissions (4):

Labcorp Genetics (formerly Invitae), Labcorp
Classification: Likely benign. Last evaluated: 2026-02-04. Review status: criteria provided, single submitter. Criteria: Invitae Variant Classification Sherloc (09022015). Collection method: clinical testing. Allele origin: germline.

PreventionGenetics, part of Exact Sciences
Classification: Likely benign for LRP2-related condition. Last evaluated: 2025-06-26. Review status: criteria provided, single submitter. Criteria: ACMG Guidelines, 2015. Collection method: clinical testing. Allele origin: germline.
Comment: This variant is classified as likely benign based on ACMG/AMP sequence variant interpretation guidelines (Richards et al. 2015 PMID: 25741868, with internal and published modifications).

Blueprint Genetics
Classification: Uncertain significance. Last evaluated: 2024-09-03. Review status: criteria provided, single submitter. Criteria: ACMG Guidelines, 2015. Collection method: clinical testing. Allele origin: germline.

Illumina Laboratory Services, Illumina
Classification: Uncertain significance for Donnai-Barrow syndrome. Last evaluated: 2018-01-12. Review status: criteria provided, single submitter. Criteria: ICSL Variant Classification Criteria 13 December 2019. Collection method: clinical testing. Allele origin: germline.

NM_004525.3(LRP2):c.5827-7C>A

Gene: LRP2 (LDL receptor related protein 2; minus strand). Cytogenetic location: 2q31.1.
Variant type: single nucleotide variant.
Coding change: c.5827-7C>A on transcript NM_004525.3 (MANE Select); 7 bases into the intron before coding-DNA position 5827, C replaced by A.
Molecular consequence: intron variant.
Genome position (GRCh38, 1-based): chr2:169,213,877, G>T on the plus strand (C>A on the coding strand, the complement: LRP2 is on the minus strand). VCF-style: chr2-169213877-G-T. GRCh37 (hg19) VCF-style: chr2-170070387-G-T.
Identifiers: ClinVar variation 332155 (VCV000332155.12), dbSNP rs536933380, ClinGen allele CA1954417.
Genomic context (GRCh38, chr2:169,213,877, plus strand): 5'-AAGCTGGTGTACCAGGATCATTCGATCTGTTCCATCCACGTTTCCTCTTTCAATCTAAAG[G>T]ATTGGAATTTTCATTAGTTTCATGGATTCATAGTGAAAATTTTGAACATTTAAACACTAA-3'